The following is an entry in ClinVar:

ClinVar aggregate classification (germline): Likely pathogenic. Review status: criteria provided, single submitter (1 of 4 stars). 2 submissions from 2 submitters: Likely pathogenic (1). 1 of the submissions does not count toward it. Last evaluated 2026-04-01.

Conditions:
Finnish congenital nephrotic syndrome (NPHS1). Also called: NEPHROTIC SYNDROME, TYPE 1. Identifiers: Orphanet 839, MedGen C0403399, MONDO:0009732, OMIM 256300.

Submissions (2):

CeGaT Center for Human Genetics Tuebingen
Classification: Likely pathogenic. Last evaluated: 2026-04-01. Review status: criteria provided, single submitter. Criteria: CeGaT Center For Human Genetics Tuebingen Variant Classification Criteria Version 2. Collection method: clinical testing. Allele origin: germline. Affected: yes. Observed: 1 variant allele.
Comment: NPHS1: PM2, PM3, PP3, PP4

Natera, Inc.
Classification: Uncertain significance for Finnish congenital nephrotic syndrome. Last evaluated: 2025-02-26. Review status: no assertion criteria provided. Collection method: clinical testing. Allele origin: germline. Not counted in ClinVar's aggregate classification.

NM_004646.4(NPHS1):c.1441-9G>A

Gene: NPHS1 (NPHS1 adhesion molecule, nephrin; minus strand). Cytogenetic location: 19q13.12.
Variant type: single nucleotide variant.
Coding change: c.1441-9G>A on transcript NM_004646.4 (MANE Select); 9 bases into the intron before coding-DNA position 1441, G replaced by A.
Molecular consequence: intron variant.
Genome position (GRCh38, 1-based): chr19:35,846,203, C>T on the plus strand (G>A on the coding strand, the complement: NPHS1 is on the minus strand). VCF-style: chr19-35846203-C-T. GRCh37 (hg19) VCF-style: chr19-36337105-C-T.
Identifiers: ClinVar variation 4059040 (VCV004059040.9).